The following is an entry in ClinVar:

ClinVar aggregate classification (germline): Uncertain significance (1 of 4 stars; one submission).

Submission:

Labcorp Genetics (formerly Invitae), Labcorp
Classification: Uncertain significance. Last evaluated: 2019-11-14. Review status: criteria provided, single submitter. Criteria: Invitae Variant Classification Sherloc (09022015). Collection method: clinical testing. Allele origin: germline.
Comment: This sequence change replaces glutamic acid with glycine at codon 231 of the TRPM1 protein (p.Glu231Gly). The glutamic acid residue is highly conserved and there is a moderate physicochemical difference between glutamic acid and glycine. This variant is not present in population databases (ExAC no frequency). This variant has not been reported in the literature in individuals with TRPM1-related conditions. Algorithms developed to predict the effect of missense changes on protein structure and function (SIFT, PolyPhen-2, Align-GVGD) all suggest that this variant is likely to be disruptive, but these predictions have not been confirmed by published functional studies and their clinical significance is uncertain. In summary, the available evidence is currently insufficient to determine the role of this variant in disease. Therefore, it has been classified as a Variant of Uncertain Significance.

NM_001252024.2(TRPM1):c.758A>G (p.Glu253Gly)

Gene: TRPM1 (transient receptor potential cation channel subfamily M member 1; minus strand). Cytogenetic location: 15q13.3.
Variant type: single nucleotide variant.
Coding change: c.758A>G on transcript NM_001252024.2 (MANE Select); coding-DNA position 758, A replaced by G.
Protein change: p.Glu253Gly; replaces glutamic acid 253 with glycine.
Molecular consequence: missense variant.
Genome position (GRCh38, 1-based): chr15:31,066,108, T>C on the plus strand (A>G on the coding strand, the complement: TRPM1 is on the minus strand). VCF-style: chr15-31066108-T-C. GRCh37 (hg19) VCF-style: chr15-31358311-T-C.
Other names: c.809A>G, p.Glu270Gly (NM_001252020.2); c.692A>G, p.Glu231Gly (NM_002420.6); short protein forms E253G, E270G, E231G.
Identifiers: ClinVar variation 971468 (VCV000971468.9), dbSNP rs2034367949, ClinGen allele CA391531583.